The following is an entry in ClinVar:

ClinVar aggregate classification (germline): Uncertain significance (1 of 4 stars; one submission).

Conditions:
Hajdu-Cheney syndrome (HJCYS). Also called: ACROOSTEOLYSIS WITH OSTEOPOROSIS AND CHANGES IN SKULL AND MANDIBLE; Acroosteolysis dominant type; SERPENTINE FIBULA-POLYCYSTIC KIDNEY SYNDROME. Identifiers: Orphanet 955, MedGen C0917715, MONDO:0007057, OMIM 102500.

Submission:

Labcorp Genetics (formerly Invitae), Labcorp
Classification: Uncertain significance for Hajdu-Cheney syndrome. Last evaluated: 2024-10-24. Review status: criteria provided, single submitter. Criteria: Invitae Variant Classification Sherloc (09022015). Collection method: clinical testing. Allele origin: germline.
Comment: This sequence change replaces aspartic acid, which is acidic and polar, with tyrosine, which is neutral and polar, at codon 1432 of the NOTCH2 protein (p.Asp1432Tyr). This variant is not present in population databases (gnomAD no frequency). This variant has not been reported in the literature in individuals affected with NOTCH2-related conditions. Invitae Evidence Modeling of protein sequence and biophysical properties (such as structural, functional, and spatial information, amino acid conservation, physicochemical variation, residue mobility, and thermodynamic stability) indicates that this missense variant is not expected to disrupt NOTCH2 protein function with a negative predictive value of 80%. In summary, the available evidence is currently insufficient to determine the role of this variant in disease. Therefore, it has been classified as a Variant of Uncertain Significance.

NM_024408.4(NOTCH2):c.4294G>T (p.Asp1432Tyr)

Gene: NOTCH2 (notch receptor 2; minus strand). Cytogenetic location: 1p12.
Variant type: single nucleotide variant.
Coding change: c.4294G>T on transcript NM_024408.4 (MANE Select); coding-DNA position 4294, G replaced by T.
Protein change: p.Asp1432Tyr; replaces aspartic acid 1432 with tyrosine.
Molecular consequence: missense variant.
Genome position (GRCh38, 1-based): chr1:119,925,522, C>A on the plus strand (G>T on the coding strand, the complement: NOTCH2 is on the minus strand). VCF-style: chr1-119925522-C-A. GRCh37 (hg19) VCF-style: chr1-120468145-C-A.
Other names: short protein forms D1432Y.
Identifiers: ClinVar variation 3706272 (VCV003706272.2).